The following is an entry in ClinVar:

ClinVar aggregate classification (germline): Benign/Likely benign. Review status: criteria provided, multiple submitters, no conflicts (2 of 4 stars). 5 submissions from 5 submitters: Benign (2); Likely benign (3). Last evaluated 2026-02-04.

Conditions:
Hypophosphatasia. Also called: Phosphoethanol-aminuria. Identifiers: Orphanet 436, MedGen C0020630, MeSH D007014, MONDO:0018570.

Allele frequency attached by ClinVar (database versions not stated): ESP Exome Variant Server 0.00015; gnomAD exomes 0.00027 and 0.00097; TOPMed 0.00050; ExAC 0.00088; 1000 Genomes Project 30x 0.00094; gnomAD 0.00105; 1000 Genomes Project 0.00120.
gnomAD v4.1: 502 of 1,614,074 alleles (0.031%); highest among the groups gnomAD compares: East Asian, 0.63%; 5 homozygotes.

Submissions (5):

Labcorp Genetics (formerly Invitae), Labcorp
Classification: Benign. Last evaluated: 2026-02-04. Review status: criteria provided, single submitter. Criteria: Invitae Variant Classification Sherloc (09022015). Collection method: clinical testing. Allele origin: germline.

Blueprint Genetics
Classification: Likely benign. Last evaluated: 2024-10-07. Review status: criteria provided, single submitter. Criteria: ACMG Guidelines, 2015. Collection method: clinical testing. Allele origin: germline.

ARUP Laboratories, Molecular Genetics and Genomics, ARUP Laboratories
Classification: Likely benign. Last evaluated: 2024-10-04. Review status: criteria provided, single submitter. Criteria: ARUP Molecular Germline Variant Investigation Process 2024. Collection method: clinical testing. Allele origin: germline.

GeneDx
Classification: Likely benign. Last evaluated: 2019-02-21. Review status: criteria provided, single submitter. Criteria: GeneDx Variant Classification Process June 2021. Collection method: clinical testing. Allele origin: germline. Affected: yes.

Illumina Laboratory Services, Illumina
Classification: Benign for Hypophosphatasia. Last evaluated: 2018-01-13. Review status: criteria provided, single submitter. Criteria: ICSL Variant Classification Criteria 13 December 2019. Collection method: clinical testing. Allele origin: germline.
Comment: This variant was observed in the ICSL laboratory as part of a predisposition screen in an ostensibly healthy population. It had not been previously curated by ICSL or reported in the Human Gene Mutation Database (HGMD: prior to June 1st, 2018), and was therefore a candidate for classification through an automated scoring system. Utilizing variant allele frequency, disease prevalence and penetrance estimates, and inheritance mode, an automated score was calculated to assess if this variant is too frequent to cause the disease. Based on the score and internal cut-off values, a variant classified as benign is not then subjected to further curation. The score for this variant resulted in a classification of benign for this disease.

NM_000478.6(ALPL):c.997+11C>T

Gene: ALPL (alkaline phosphatase, biomineralization associated; plus strand). Cytogenetic location: 1p36.12.
Variant type: single nucleotide variant.
Coding change: c.997+11C>T on transcript NM_000478.6 (MANE Select); 11 bases into the intron after coding-DNA position 997, C replaced by T.
Molecular consequence: intron variant.
Genome position (GRCh38, 1-based): chr1:21,573,810, C>T. VCF-style: chr1-21573810-C-T. GRCh37 (hg19) VCF-style: chr1-21900303-C-T.
Other names: c.997+11C>T (NM_001369805.2, NM_001369804.2, NM_001369803.2); c.832+11C>T (NM_001127501.4); c.766+11C>T (NM_001177520.3).
Identifiers: ClinVar variation 295546 (VCV000295546.16), dbSNP rs187255765, ClinGen allele CA666699.